The following is an entry in ClinVar:

NM_000038.6(APC):c.4874_4876del (p.Gln1625del)

Gene: APC (APC regulator of Wnt signaling pathway; plus strand). Cytogenetic location: 5q22.2.
Variant type: Deletion.
Coding change: c.4874_4876del on transcript NM_000038.6 (MANE Select); coding-DNA positions 4874 to 4876, 3 bases deleted (AAC; older notation c.4874_4876delAAC).
Protein change: p.Gln1625del; deletes glutamine 1625.
Molecular consequence: inframe deletion.
Genome position (GRCh38, 1-based): chr5:112,840,468-112,840,470, AAC deleted; deleting any 3 consecutive bases within chr5:112,840,467-112,840,470 gives the same sequence; the c. name uses the placement nearest the transcript's 3' end. VCF-style (leftmost placement, unchanged base first): chr5-112840466-GCAA-G. GRCh37 (hg19) VCF-style: chr5-112176163-GCAA-G.
Other names: c.4874_4876delAAC (NM_000038.5); c.4874_4876del, p.Gln1625del (NM_001127510.3, NM_001354895.2); c.4820_4822del, p.Gln1607del (NM_001127511.3); c.4928_4930del, p.Gln1643del (NM_001354896.2); c.4904_4906del, p.Gln1635del (NM_001354897.2); c.4799_4801del, p.Gln1600del (NM_001354898.2); c.4790_4792del, p.Gln1597del (NM_001354899.2); c.4751_4753del, p.Gln1584del (NM_001354900.2); and 6 more; short protein forms Q1499del, Q1597del, Q1635del, Q1643del, Q1465del, Q1534del, Q1566del, Q1607del.
Identifiers: ClinVar variation 1351313 (VCV001351313.6), dbSNP rs2149926145, ClinGen allele CA2573138712.

ClinVar aggregate classification (germline): Uncertain significance. Review status: criteria provided, multiple submitters, no conflicts (2 of 4 stars). 2 submissions from 2 submitters: Uncertain significance (2). Last evaluated 2024-10-28.

Conditions:
Hereditary cancer-predisposing syndrome. Also called: Neoplastic Syndromes, Hereditary; Tumor predisposition; Hereditary neoplastic syndrome; Hereditary Cancer Syndrome. Identifiers: Orphanet 140162, MedGen C0027672, MeSH D009386, MONDO:0015356.
Familial adenomatous polyposis 1 (FAP1). Also called: FAMILIAL ADENOMATOUS POLYPOSIS 1, ATTENUATED; POLYPOSIS, ADENOMATOUS INTESTINAL. Identifiers: MedGen C2713442, MONDO:0021056, OMIM 175100. Disease mechanism: loss of function.

Submissions (2):

Labcorp Genetics (formerly Invitae), Labcorp
Classification: Uncertain significance for Familial adenomatous polyposis 1. Last evaluated: 2024-10-28. Review status: criteria provided, single submitter. Criteria: Invitae Variant Classification Sherloc (09022015). Collection method: clinical testing. Allele origin: germline.
Comment: This variant, c.4874_4876del, results in the deletion of 1 amino acid(s) of the APC protein (p.Gln1625del), but otherwise preserves the integrity of the reading frame. This variant is not present in population databases (gnomAD no frequency). This variant has not been reported in the literature in individuals affected with APC-related conditions. ClinVar contains an entry for this variant (Variation ID: 1351313). Experimental studies and prediction algorithms are not available or were not evaluated, and the functional significance of this variant is currently unknown. In summary, the available evidence is currently insufficient to determine the role of this variant in disease. Therefore, it has been classified as a Variant of Uncertain Significance.

Ambry Genetics
Classification: Uncertain significance for Hereditary cancer-predisposing syndrome. Last evaluated: 2024-02-01. Review status: criteria provided, single submitter. Criteria: Ambry Variant Classification Scheme 2023. Collection method: clinical testing. Allele origin: germline.
Comment: The c.4874_4876delAAC variant (also known as p.Q1625del) is located in coding exon 15 of the APC gene. This variant results from an in-frame AAC deletion at nucleotide positions 4874 to 4876. This results in the in-frame deletion of a glutamine at codon 1625. This amino acid position is well conserved in available vertebrate species. In addition, this alteration is predicted to be neutral by in silico analysis (Choi Y et al. PLoS ONE. 2012; 7(10):e46688). Based on the available evidence, the clinical significance of this alteration remains unclear.